The following is an entry in ClinVar:

ClinVar aggregate classification (germline): Pathogenic (1 of 4 stars; one submission).

Conditions:
Intellectual developmental disorder, X-linked 1. Also called: MENTAL RETARDATION, X-LINKED 18; MENTAL RETARDATION, X-LINKED 78; Intellectual disability, X-linked 1; Atkin Flaitz Patil Smith syndrome. Identifiers: Orphanet 777, MedGen C2931498, MONDO:0010656, OMIM 309530.

Submission:

Labcorp Genetics (formerly Invitae), Labcorp
Classification: Pathogenic for Intellectual developmental disorder, X-linked 1. Last evaluated: 2017-02-08. Review status: criteria provided, single submitter. Criteria: Invitae Variant Classification Sherloc (09022015). Collection method: clinical testing. Allele origin: germline.
Comment: This sequence change deletes 1 nucleotide from exon 3 of the IQSEC2 mRNA (c.863delT), causing a frameshift at codon 288. This creates a premature translational stop signal (p.Val288Glyfs*18) and is expected to result in an absent or disrupted protein product. While this particular variant has not been reported in the literature, loss-of-function variants in IQSEC2 are known to be pathogenic (PMID: 21686261, 26793055). For these reasons, this variant has been classified as Pathogenic.

Literature cited by the submitters: PubMed 21686261; PubMed 26793055.

NM_001111125.3(IQSEC2):c.863del (p.Val288fs)

Gene: IQSEC2 (IQ motif and Sec7 domain ArfGEF 2; minus strand). Cytogenetic location: Xp11.22.
Variant type: Deletion.
Coding change: c.863del on transcript NM_001111125.3 (MANE Select); coding-DNA position 863, one base deleted (T; older notation c.863delT).
Protein change: p.Val288fs; shifts the reading frame from valine 288.
Molecular consequence: frameshift variant.
Genome position (GRCh38, 1-based): chrX:53,255,936, A deleted on the plus strand (T on the coding strand, the reverse complement: IQSEC2 is on the minus strand). VCF-style (leftmost placement, unchanged base first): chrX-53255935-CA-C. GRCh37 (hg19) VCF-style: chrX-53285117-CA-C.
Other names: c.248del, p.Val83fs (NM_015075.2); short protein forms V83fs, V288fs.
Identifiers: ClinVar variation 471277 (VCV000471277.7), dbSNP rs1556865060, ClinGen allele CA658658990.
Genomic context (GRCh38, chrX:53,255,935, plus strand): 5'-CTGCTTCCTCAGGGCGACACTGGCTGGCTGGAGGCGTGCCCGCTGAGCCCAGGGAAGGCC[CA>C]CTCCAGCAGGGGGGCCCCCCATGTGGCTGCTGGAGGGGGGCAGCTGGCTCAGCCGGTAGG-3'